The following is an entry in ClinVar:

NM_006269.2(RP1):c.5656A>T (p.Ile1886Phe)

Genes: RP1 (RP1 axonemal microtubule associated; plus strand), LOC126860392 (CDK7 strongly-dependent group 2 enhancer GRCh37_chr8:55541319-55542518; plus strand). Cytogenetic location: 8q12.1.
Variant type: single nucleotide variant.
Coding change: c.5656A>T on transcript NM_006269.2 (MANE Select); coding-DNA position 5656, A replaced by T.
Protein change: p.Ile1886Phe; replaces isoleucine 1886 with phenylalanine.
Molecular consequence: missense variant. On other transcripts: intron variant (1).
Genome position (GRCh38, 1-based): chr8:54,629,538, A>T. VCF-style: chr8-54629538-A-T. GRCh37 (hg19) VCF-style: chr8-55542098-A-T.
Other names: c.787+7250A>T (NM_001375654.1); short protein forms I1886F.
Identifiers: ClinVar variation 3726032 (VCV003726032.2).

ClinVar aggregate classification (germline): Uncertain significance (1 of 4 stars; one submission).

gnomAD v4.1: 1 of 1,614,088 alleles (0.000062%); highest among the groups gnomAD compares: Non-Finnish European, 0.000085%; no homozygotes.

Submission:

Labcorp Genetics (formerly Invitae), Labcorp
Classification: Uncertain significance. Last evaluated: 2024-12-15. Review status: criteria provided, single submitter. Criteria: Invitae Variant Classification Sherloc (09022015). Collection method: clinical testing. Allele origin: germline.
Comment: This sequence change replaces isoleucine, which is neutral and non-polar, with phenylalanine, which is neutral and non-polar, at codon 1886 of the RP1 protein (p.Ile1886Phe). This variant is present in population databases (rs765187462, gnomAD 0.0009%). This variant has not been reported in the literature in individuals affected with RP1-related conditions. An algorithm developed to predict the effect of missense changes on protein structure and function (PolyPhen-2) suggests that this variant is likely to be disruptive. In summary, the available evidence is currently insufficient to determine the role of this variant in disease. Therefore, it has been classified as a Variant of Uncertain Significance.